The following is an entry in ClinVar:

NM_005002.5(NDUFA9):c.799G>A (p.Gly267Ser)

Gene: NDUFA9 (NADH:ubiquinone oxidoreductase subunit A9; plus strand). Cytogenetic location: 12p13.32.
Variant type: single nucleotide variant.
Coding change: c.799G>A on transcript NM_005002.5 (MANE Select); coding-DNA position 799, G replaced by A.
Protein change: p.Gly267Ser; replaces glycine 267 with serine.
Molecular consequence: missense variant.
Genome position (GRCh38, 1-based): chr12:4,669,816, G>A. VCF-style: chr12-4669816-G-A. GRCh37 (hg19) VCF-style: chr12-4778982-G-A.
Other names: short protein forms G267S.
Identifiers: ClinVar variation 3371668 (VCV003371668.1).

ClinVar aggregate classification (germline): Uncertain significance (1 of 4 stars; one submission).

Submission:

GeneDx
Classification: Uncertain significance. Last evaluated: 2024-04-02. Review status: criteria provided, single submitter. Criteria: GeneDx Variant Classification Process June 2021. Collection method: clinical testing. Allele origin: germline. Affected: yes.
Comment: Not observed at significant frequency in large population cohorts (gnomAD); In silico analysis supports that this missense variant has a deleterious effect on protein structure/function; Has not been previously published as pathogenic or benign to our knowledge